The following is an entry in ClinVar:

ClinVar aggregate classification (germline): Conflicting classifications of pathogenicity. Review status: criteria provided, conflicting classifications (1 of 4 stars). 5 submissions from 5 submitters: Uncertain significance (1); Likely benign (4). Last evaluated 2025-09-28.

Conditions:
Peroxisome biogenesis disorder. Identifiers: Orphanet 79189, MedGen C1832200, MONDO:0019234. Disease mechanism: loss of function.
PEX6-related disorder. Also called: PEX6-related condition; PEX6-related disorders.

Allele frequency attached by ClinVar (database versions not stated): gnomAD 0.00001; TOPMed 0.00003; gnomAD exomes 0.00004 and 0.00012; ExAC 0.00019.
gnomAD v4.1: 58 of 1,533,498 alleles (0.0038%); highest among the groups gnomAD compares: Non-Finnish European, 0.00079%; no homozygotes.

Submissions (5):

Labcorp Genetics (formerly Invitae), Labcorp
Classification: Likely benign for Peroxisome biogenesis disorder. Last evaluated: 2025-09-28. Review status: criteria provided, single submitter. Criteria: Invitae Variant Classification Sherloc (09022015). Collection method: clinical testing. Allele origin: germline.

PreventionGenetics, part of Exact Sciences
Classification: Likely benign for PEX6-related condition. Last evaluated: 2025-07-15. Review status: criteria provided, single submitter. Criteria: ACMG Guidelines, 2015. Collection method: clinical testing. Allele origin: germline.
Comment: This variant is classified as likely benign based on ACMG/AMP sequence variant interpretation guidelines (Richards et al. 2015 PMID: 25741868, with internal and published modifications).

Blueprint Genetics
Classification: Likely benign. Last evaluated: 2023-07-26. Review status: criteria provided, single submitter. Criteria: ACMG Guidelines, 2015. Collection method: clinical testing. Allele origin: germline.

CeGaT Center for Human Genetics Tuebingen
Classification: Likely benign. Last evaluated: 2023-03-01. Review status: criteria provided, single submitter. Criteria: CeGaT Center For Human Genetics Tuebingen Variant Classification Criteria Version 2. Collection method: clinical testing. Allele origin: germline. Affected: yes. Observed: 1 variant allele.
Comment: PEX6: BP4, BP7

Eurofins Ntd Llc (ga)
Classification: Uncertain significance. Last evaluated: 2016-10-05. Review status: criteria provided, single submitter. Criteria: EGL Classification Definitions 2015. Collection method: clinical testing. Allele origin: germline. Observed: 1 variant allele, 1 heterozygote.

NM_000287.4(PEX6):c.348C>T (p.Leu116=)

Gene: PEX6 (peroxisomal biogenesis factor 6; minus strand). Cytogenetic location: 6p21.1.
Variant type: single nucleotide variant.
Coding change: c.348C>T on transcript NM_000287.4 (MANE Select); coding-DNA position 348, C replaced by T.
Protein change: p.Leu116=; no amino-acid change (leucine 116 retained).
Molecular consequence: synonymous variant. On other transcripts: non-coding transcript variant (1).
Genome position (GRCh38, 1-based): chr6:42,978,803, G>A on the plus strand (C>T on the coding strand, the complement: PEX6 is on the minus strand). VCF-style: chr6-42978803-G-A. GRCh37 (hg19) VCF-style: chr6-42946541-G-A.
Other names: c.348C>T, p.Leu116= (NM_001316313.2); c.348C>T (NM_000287.3).
Identifiers: ClinVar variation 497785 (VCV000497785.40), dbSNP rs746578841, ClinGen allele CA3811634.